The following is an entry in ClinVar:

NM_001277115.2(DNAH11):c.927_931del (p.Ser312fs)

Gene: DNAH11 (dynein axonemal heavy chain 11; plus strand). Cytogenetic location: 7p15.3.
Variant type: Deletion.
Coding change: c.927_931del on transcript NM_001277115.2 (MANE Select); coding-DNA positions 927 to 931, 5 bases deleted (TAAAC; older notation c.927_931delTAAAC).
Protein change: p.Ser312fs; shifts the reading frame from serine 312.
Molecular consequence: frameshift variant.
Genome position (GRCh38, 1-based): chr7:21,561,115-21,561,119, TAAAC deleted; deleting any 5 consecutive bases within chr7:21,561,112-21,561,119 gives the same sequence; the c. name uses the placement nearest the transcript's 3' end. VCF-style (leftmost placement, unchanged base first): chr7-21561111-CAACTA-C. GRCh37 (hg19) VCF-style: chr7-21600729-CAACTA-C.
Other names: NM_001277115.2:c.927_931del; c.927_931delTAAAC, p.Ser312Leufs (NM_003777.3); short protein forms S312fs.
Identifiers: ClinVar variation 3011726 (VCV003011726.4), dbSNP rs1266458783, ClinGen allele CA836677868.
Genomic context (GRCh38, chr7:21,561,111, plus strand): 5'-CTTTTTTTCCTTTAACTTAGCTTCAGGCACCTGTTGTCCTCAAAATGGTTAAGATCCTGA[CAACTA>C]AACAAAGCAGCTATTTTCCTACTCTGAAGGACATTTTTCTGGCTGTGGAAAATGGTAAGA-3'

ClinVar aggregate classification (germline): Pathogenic/Likely pathogenic. Review status: criteria provided, multiple submitters, no conflicts (2 of 4 stars). 2 submissions from 2 submitters: Pathogenic (1); Likely pathogenic (1). Last evaluated 2025-09-28.

Conditions:
Primary ciliary dyskinesia. Also called: Ciliary dyskinesia. Identifiers: Orphanet 244, MedGen C0008780, MONDO:0016575, HP:0012265.
Primary ciliary dyskinesia 7. Also called: CILIARY DYSKINESIA, PRIMARY, 7, WITH OR WITHOUT SITUS INVERSUS. Identifiers: Orphanet 244, MedGen C2678473, MONDO:0012748, OMIM 611884.

Submissions (2):

Labcorp Genetics (formerly Invitae), Labcorp
Classification: Pathogenic for Primary ciliary dyskinesia. Last evaluated: 2025-09-28. Review status: criteria provided, single submitter. Criteria: Invitae Variant Classification Sherloc (09022015). Collection method: clinical testing. Allele origin: germline.
Comment: This sequence change creates a premature translational stop signal (p.Ser312Leufs*66) in the DNAH11 gene. It is expected to result in an absent or disrupted protein product. Loss-of-function variants in DNAH11 are known to be pathogenic (PMID: 18022865, 20513915, 22184204). This variant is not present in population databases (gnomAD no frequency). This premature translational stop signal has been observed in individual(s) with clinical features of primary ciliary dyskinesia (PMID: 32253119). ClinVar contains an entry for this variant (Variation ID: 3011726). For these reasons, this variant has been classified as Pathogenic.

Broad Center for Mendelian Genomics, Broad Institute of MIT and Harvard
Classification: Likely pathogenic for Primary ciliary dyskinesia 7. Last evaluated: 2025-02-10. Review status: criteria provided, single submitter. Criteria: ACMG Guidelines, 2015. Collection method: curation. Allele origin: germline. Inheritance: Autosomal recessive inheritance.
Comment: The p.Ser312LeufsTer66 variant in DNAH11 has been reported in 1 individual with primary ciliary dyskinesia (PMID: 32253119), and has been identified in 0.003% (2/58944) of Admixed American chromosomes by the Genome Aggregation Database (gnomAD). Although this variant has been seen in the general population in a heterozygous state, its frequency is low enough to be consistent with a recessive carrier frequency. This variant is predicted to cause a frameshift, which alters the protein's amino acid sequence beginning at position 312 and leads to a premature termination codon 66 amino acids downstream. This alteration is then predicted to lead to a truncated or absent protein. Loss of function of the DNAH11 gene is an established disease mechanism in autosomal recessive primary ciliary dyskinesia. In summary, although additional studies are required to fully establish its clinical significance, this variant is likely pathogenic for autosomal recessive primary ciliary dyskinesia. ACMG/AMP Criteria applied: PVS1, PM2_supporting (Richards 2015).

Literature cited by the submitters: PubMed 18022865 (cited by Labcorp Genetics (formerly Invitae), Labcorp); PubMed 20513915 (cited by Labcorp Genetics (formerly Invitae), Labcorp); PubMed 22184204 (cited by Labcorp Genetics (formerly Invitae), Labcorp); PubMed 32253119 (cited by Labcorp Genetics (formerly Invitae), Labcorp).